The following is an entry in ClinVar:

NM_002386.4(MC1R):c.318G>A (p.Leu106=)

Gene: MC1R (melanocortin 1 receptor; plus strand). Cytogenetic location: 16q24.3.
Variant type: single nucleotide variant.
Coding change: c.318G>A on transcript NM_002386.4 (MANE Select); coding-DNA position 318, G replaced by A.
Protein change: p.Leu106=; no amino-acid change (leucine 106 retained).
Molecular consequence: synonymous variant.
Genome position (GRCh38, 1-based): chr16:89,919,576, G>A. VCF-style: chr16-89919576-G-A. GRCh37 (hg19) VCF-style: chr16-89985984-G-A.
Other names: p.Leu106=.
Identifiers: ClinVar variation 321425 (VCV000321425.18), dbSNP rs3212364, ClinGen allele CA8255557.

ClinVar aggregate classification (germline): Benign/Likely benign. Review status: criteria provided, multiple submitters, no conflicts (2 of 4 stars). 5 submissions from 5 submitters: Benign (4); Likely benign (1). Last evaluated 2025-12-08.

Conditions:
Melanoma, cutaneous malignant, susceptibility to, 5. Also called: Cutaneous malignant melanoma 5. Identifiers: Orphanet 618, MedGen C2751295, MONDO:0013133, OMIM 613099.

Allele frequency attached by ClinVar (database versions not stated): gnomAD exomes 0.00274; ExAC 0.00347; gnomAD 0.01074 and 0.01163; 1000 Genomes Project 0.01118; 1000 Genomes Project 30x 0.01124; TOPMed 0.01239; ESP Exome Variant Server 0.01396.
gnomAD v4.1: 3,190 of 1,611,086 alleles (0.2%); highest among the groups gnomAD compares: African/African-American, 3.8%; 63 homozygotes.

Submissions (5):

Labcorp Genetics (formerly Invitae), Labcorp
Classification: Benign for Melanoma, cutaneous malignant, susceptibility to, 5. Last evaluated: 2025-12-08. Review status: criteria provided, single submitter. Criteria: Invitae Variant Classification Sherloc (09022015). Collection method: clinical testing. Allele origin: germline.

Mayo Clinic Laboratories, Mayo Clinic
Classification: Likely benign. Last evaluated: 2025-07-23. Review status: criteria provided, single submitter. Criteria: ACMG Guidelines, 2015. Collection method: clinical testing. Allele origin: germline. Observed: 1 variant allele.
Comment: BP4, BP7

ARUP Laboratories, Molecular Genetics and Genomics, ARUP Laboratories
Classification: Benign. Last evaluated: 2025-05-06. Review status: criteria provided, single submitter. Criteria: ARUP Molecular Germline Variant Investigation Process 2024. Collection method: clinical testing. Allele origin: germline.

Illumina Laboratory Services, Illumina
Classification: Benign for Melanoma, cutaneous malignant, susceptibility to, 5. Last evaluated: 2018-01-12. Review status: criteria provided, single submitter. Criteria: ICSL Variant Classification Criteria 13 December 2019. Collection method: clinical testing. Allele origin: germline.
Comment: This variant was observed in the ICSL laboratory as part of a predisposition screen in an ostensibly healthy population. It had not been previously curated by ICSL or reported in the Human Gene Mutation Database (HGMD: prior to June 1st, 2018), and was therefore a candidate for classification through an automated scoring system. Utilizing variant allele frequency, disease prevalence and penetrance estimates, and inheritance mode, an automated score was calculated to assess if this variant is too frequent to cause the disease. Based on the score and internal cut-off values, a variant classified as benign is not then subjected to further curation. The score for this variant resulted in a classification of benign for this disease.

Breakthrough Genomics
Classification: Benign. Review status: criteria provided, single submitter. Criteria: ACMG Guidelines, 2015. Collection method: not provided. Allele origin: germline. Inheritance: Autosomal recessive inheritance. Affected: yes.